The following is an entry in ClinVar:

ClinVar aggregate classification (germline): Conflicting classifications of pathogenicity. Review status: criteria provided, conflicting classifications (1 of 4 stars). 2 submissions from 2 submitters: Uncertain significance (1); Benign (1). Last evaluated 2025-11-12.

Conditions:
Ehlers-Danlos syndrome, classic type, 1 (EDSCL1). Also called: Ehlers-Danlos Syndrome, Classic Type, COL5A1-Related; EHLERS-DANLOS SYNDROME, GRAVIS TYPE; EHLERS-DANLOS SYNDROME, SEVERE CLASSIC TYPE; Ehlers-Danlos syndrome, type 1; EDS I. Identifiers: MedGen C0268335, MONDO:0019567, OMIM 130000.

Allele frequency attached by ClinVar (database versions not stated): gnomAD exomes 0.00001 and 0.00002; TOPMed 0.00003; gnomAD 0.00002.
gnomAD v4.1: 34 of 1,607,010 alleles (0.0021%); highest among the groups gnomAD compares: African/African-American, 0.004%; no homozygotes.

Submissions (2):

Labcorp Genetics (formerly Invitae), Labcorp
Classification: Benign for Ehlers-Danlos syndrome, classic type, 1. Last evaluated: 2025-11-12. Review status: criteria provided, single submitter. Criteria: Invitae Variant Classification Sherloc (09022015). Collection method: clinical testing. Allele origin: germline.

GeneDx
Classification: Uncertain significance. Last evaluated: 2014-01-12. Review status: criteria provided, single submitter. Criteria: GeneDx Variant Classification (06012015). Collection method: clinical testing. Allele origin: germline. Affected: yes.
Comment: p.Pro1526Leu (CCG>CTG): c.4577 C>T in exon 59 of the COL5A1 gene (NM_000093.3) The P1526L variant in the COL5A1 gene has not been reported as a disease-causing mutation or as a benign polymorphism to our knowledge.The P1526L variant was not observed in approximately 6500 individuals of European and African American ancestry in the NHLBI Exome Sequencing Project, indicating it is not a common benign variant in these populations. In addition, the P1526 residue is well conserved across species. P1526L is a semi-conservative amino acid substitution as these residues share similar properties, but differ in size, charge, or other properties which may impact secondary structure. However, mutations in nearby residues have not been reported in association with EDS or TAAD, indicating this region of the protein may tolerate change. In silico algorithms were not consistent in their predictions regarding the effect of P1526L on protein structure/function.With the clinical and molecular information available at this time, we cannot definitively determine if P1526L is a disease-causing mutation or a rare benign variant. The pathogenic role for this variant would be further supported if it occurred or if it co-segregates independently with a TAAD-related disorder. This variant was found in TAAD

NM_000093.5(COL5A1):c.4577C>T (p.Pro1526Leu)

Genes: COL5A1 (collagen type V alpha 1 chain; plus strand), LOC101448202 (uncharacterized LOC101448202; minus strand). Cytogenetic location: 9q34.3.
Variant type: single nucleotide variant.
Coding change: c.4577C>T on transcript NM_000093.5 (MANE Select); coding-DNA position 4577, C replaced by T.
Protein change: p.Pro1526Leu; replaces proline 1526 with leucine.
Molecular consequence: missense variant.
Genome position (GRCh38, 1-based): chr9:134,822,119, C>T. VCF-style: chr9-134822119-C-T. GRCh37 (hg19) VCF-style: chr9-137713965-C-T.
Other names: p.P1526L:CCG>CTG; c.4577C>T, p.Pro1526Leu (NM_001278074.1); short protein forms P1526L.
Identifiers: ClinVar variation 212983 (VCV000212983.12), dbSNP rs863223459, ClinGen allele CA323019.